The following is an entry in ClinVar:

NM_001009944.3(PKD1):c.8778_8779del (p.Thr2927fs)

Gene: PKD1 (polycystin 1, transient receptor potential channel interacting; minus strand). Cytogenetic location: 16p13.3.
Variant type: Microsatellite.
Coding change: c.8778_8779del on transcript NM_001009944.3 (MANE Select); coding-DNA positions 8778 to 8779, 2 bases deleted (TA; older notation c.8778_8779delTA).
Protein change: p.Thr2927fs; shifts the reading frame from threonine 2927.
Molecular consequence: frameshift variant.
Genome position (GRCh38, 1-based): chr16:2,103,278-2,103,279, TA deleted on the plus strand (TA on the coding strand, the reverse complement: PKD1 is on the minus strand); deleting any 2 consecutive bases within chr16:2,103,278-2,103,281 gives the same sequence; the c. name uses the placement nearest the transcript's 3' end. VCF-style (leftmost placement, unchanged base first): chr16-2103277-GTA-G. GRCh37 (hg19) VCF-style: chr16-2153278-GTA-G.
Other names: c.8778_8779del, p.Thr2927fs (NM_000296.4); short protein forms T2927fs.
Identifiers: ClinVar variation 4072191 (VCV004072191.2).

ClinVar aggregate classification (germline): Pathogenic. Review status: criteria provided, multiple submitters, no conflicts (2 of 4 stars). 2 submissions from 2 submitters: Pathogenic (2). Last evaluated 2026-02-02.

Conditions:
Renal cyst. Also called: Cystic kidney disease; Renal cysts; cystic kidneys. Identifiers: MedGen C3887499, MONDO:0002473, HP:0000107.
Polycystic kidney disease, adult type (PKD1). Also called: Polycystic Kidney Disease 1, Autosomal Dominant; Polycystic kidney disease 1; Polycystic kidney disease 1, severe; Polycystic Kidney, Autosomal Dominant; POLYCYSTIC KIDNEY DISEASE 1 WITH OR WITHOUT POLYCYSTIC LIVER DISEASE; POLYCYSTIC KIDNEY DISEASE, ADULT, TYPE I. Identifiers: MedGen C3149841, MONDO:0008263, OMIM 173900.

Submissions (2):

Victorian Clinical Genetics Services, Murdoch Childrens Research Institute
Classification: Pathogenic for Polycystic kidney disease, adult type. Last evaluated: 2026-02-02. Review status: criteria provided, single submitter. Criteria: ACMG Guidelines, 2015. Collection method: clinical testing. Allele origin: germline. Affected: yes.
Comment: This variant is classified as Pathogenic. Evidence in support of pathogenic classification: Variant is predicted to cause nonsense-mediated decay (NMD) and loss of protein (premature termination codon is located at least 54 nucleotides upstream of the final exon-exon junction); Variant is absent from gnomAD (v2, v3 and v4); This variant has limited previous evidence of pathogenicity in an unrelated individual(s). This variant has been reported once as pathogenic in ClinVar; Other NMD variant(s) comparable to the one identified in this case have very strong previous evidence for pathogenicity (ClinVar). Additional information: This variant is heterozygous; This gene is associated with autosomal dominant disease. Polycystic kidney disease 1 (MIM#173900) is predominantly caused by monoallelic variants, with rare reports of biallelic variants causing disease (OMIM) - No published evidence of segregation with disease has been identified for this variant; No published functional evidence has been identified for this variant; Loss of function is a known mechanism of disease in this gene and is associated with polycystic kidney disease 1 (MIM#173900); Inheritance information for this variant is not currently available in this individual.

Cambridge Genomics Laboratory, East Genomic Laboratory Hub, NHS Genomic Medicine Service
Classification: Pathogenic for Renal cyst. Last evaluated: 2019-09-13. Review status: criteria provided, single submitter. Criteria: ACGS Best Practice Guidelines for Variant Classification in Rare Disease 2020. Collection method: clinical testing. Allele origin: germline. Affected: yes. Observed: 1 variant allele.